The following is an entry in ClinVar:

ClinVar aggregate classification (germline): Uncertain significance. Review status: criteria provided, multiple submitters, no conflicts (2 of 4 stars). 2 submissions from 2 submitters: Uncertain significance (2). Last evaluated 2022-04-11.

Conditions:
Inborn genetic diseases. Identifiers: MedGen C0950123, MeSH D030342.

Allele frequency attached by ClinVar (database versions not stated): TOPMed below 0.00001.
gnomAD v4.1: 1 of 1,614,032 alleles (0.000062%); highest among the groups gnomAD compares: Non-Finnish European, 0.000085%; no homozygotes.

Submissions (2):

Labcorp Genetics (formerly Invitae), Labcorp
Classification: Uncertain significance. Last evaluated: 2022-04-11. Review status: criteria provided, single submitter. Criteria: Invitae Variant Classification Sherloc (09022015). Collection method: clinical testing. Allele origin: germline.
Comment: In summary, the available evidence is currently insufficient to determine the role of this variant in disease. Therefore, it has been classified as a Variant of Uncertain Significance. Algorithms developed to predict the effect of missense changes on protein structure and function are either unavailable or do not agree on the potential impact of this missense change (SIFT: "Tolerated"; PolyPhen-2: "Probably Damaging"; Align-GVGD: "Class C0"). This variant has not been reported in the literature in individuals affected with VPS13C-related conditions. This variant is not present in population databases (gnomAD no frequency). This sequence change replaces histidine, which is basic and polar, with glutamine, which is neutral and polar, at codon 3050 of the VPS13C protein (p.His3050Gln).

Ambry Genetics
Classification: Uncertain significance for Inborn genetic diseases. Last evaluated: 2021-07-06. Review status: criteria provided, single submitter. Criteria: Ambry Variant Classification Scheme 2023. Collection method: clinical testing. Allele origin: germline.

NM_020821.3(VPS13C):c.9150C>G (p.His3050Gln)

Gene: VPS13C (vacuolar protein sorting 13 homolog C; minus strand). Cytogenetic location: 15q22.2.
Variant type: single nucleotide variant.
Coding change: c.9150C>G on transcript NM_020821.3 (MANE Select); coding-DNA position 9150, C replaced by G.
Protein change: p.His3050Gln; replaces histidine 3050 with glutamine.
Molecular consequence: missense variant.
Genome position (GRCh38, 1-based): chr15:61,890,356, G>C on the plus strand (C>G on the coding strand, the complement: VPS13C is on the minus strand). VCF-style: chr15-61890356-G-C. GRCh37 (hg19) VCF-style: chr15-62182555-G-C.
Other names: c.9150C>G, p.His3050Gln (NM_001018088.3); c.9021C>G, p.His3007Gln (NM_017684.5, NM_018080.4); short protein forms H3007Q, H3050Q.
Identifiers: ClinVar variation 1950733 (VCV001950733.6), dbSNP rs754924916, ClinGen allele CA392675139.